The following is an entry in ClinVar:

NM_001166108.2(PALLD):c.2309A>T (p.Glu770Val)

Genes: CBR4 (carbonyl reductase 4; minus strand), PALLD (palladin, cytoskeletal associated protein; plus strand). Cytogenetic location: 4q32.3.
Variant type: single nucleotide variant.
Coding change: c.2309A>T on transcript NM_001166108.2 (MANE Select); coding-DNA position 2309, A replaced by T.
Protein change: p.Glu770Val; replaces glutamic acid 770 with valine.
Molecular consequence: missense variant.
Genome position (GRCh38, 1-based): chr4:168,898,551, A>T. VCF-style: chr4-168898551-A-T. GRCh37 (hg19) VCF-style: chr4-169819702-A-T.
Other names: c.1112A>T, p.Glu371Val (NM_001166109.2); c.797A>T, p.Glu266Val (NM_001166110.2); c.137A>T, p.Glu46Val (NM_001367567.1, NM_001367569.1); c.188A>T, p.Glu63Val (NM_001367568.1, NM_001367570.1); c.2258A>T, p.Glu753Val (NM_016081.4); short protein forms E371V, E46V, E63V, E770V, E266V, E753V.
Identifiers: ClinVar variation 5026212 (VCV005026212.1).
Genomic context (GRCh38, chr4:168,898,551, plus strand): 5'-AGGAATACAAAGTCTCCAGCTGTGAACAGAGACTCATCAGTGAAATAGAGTACAGGCTAG[A>T]AAGGTCTCCTGTGGATGAATCAGGTGATGAAGTTCAGTATGGAGATGTGCCTGTGGAAAA-3'
Protein context (NP_001159580.1, residues 760-780): RLISEIEYRL[Glu770Val]RSPVDESGDE

ClinVar aggregate classification (germline): Uncertain significance (1 of 4 stars; one submission).

Submission:

Ambry Genetics
Classification: Uncertain significance. Last evaluated: 2026-06-16. Review status: criteria provided, single submitter. Criteria: Ambry Variant Classification Scheme 2023. Collection method: clinical testing. Allele origin: germline.
Comment: The p.E266V variant (also known as c.797A>T), located in coding exon 4 of the PALLD gene, results from an A to T substitution at nucleotide position 797. The glutamic acid at codon 266 is replaced by valine, an amino acid with dissimilar properties. This amino acid position is conserved. In addition, the in silico prediction for this alteration is inconclusive. Based on the available evidence, the clinical significance of this variant remains unclear.